The following is an entry in ClinVar:

ClinVar aggregate classification (germline): Uncertain significance (1 of 4 stars; one submission).

Allele frequency attached by ClinVar (database versions not stated): TOPMed 0.00001.

Submission:

Labcorp Genetics (formerly Invitae), Labcorp
Classification: Uncertain significance. Last evaluated: 2022-09-22. Review status: criteria provided, single submitter. Criteria: Invitae Variant Classification Sherloc (09022015). Collection method: clinical testing. Allele origin: germline.
Comment: In summary, the available evidence is currently insufficient to determine the role of this variant in disease. Therefore, it has been classified as a Variant of Uncertain Significance. This sequence change replaces leucine, which is neutral and non-polar, with methionine, which is neutral and non-polar, at codon 203 of the SOX11 protein (p.Leu203Met). This variant is present in population databases (no rsID available, gnomAD 0.003%). This variant has not been reported in the literature in individuals affected with SOX11-related conditions. Advanced modeling of protein sequence and biophysical properties (such as structural, functional, and spatial information, amino acid conservation, physicochemical variation, residue mobility, and thermodynamic stability) performed at Invitae indicates that this missense variant is not expected to disrupt SOX11 protein function.

NM_003108.4(SOX11):c.607C>A (p.Leu203Met)

Gene: SOX11 (SRY-box transcription factor 11; plus strand). Cytogenetic location: 2p25.2.
Variant type: single nucleotide variant.
Coding change: c.607C>A on transcript NM_003108.4 (MANE Select); coding-DNA position 607, C replaced by A.
Protein change: p.Leu203Met; replaces leucine 203 with methionine.
Molecular consequence: missense variant.
Genome position (GRCh38, 1-based): chr2:5,693,328, C>A. VCF-style: chr2-5693328-C-A. GRCh37 (hg19) VCF-style: chr2-5833460-C-A.
Other names: short protein forms L203M.
Identifiers: ClinVar variation 2053887 (VCV002053887.3), dbSNP rs753307477, ClinGen allele CA345867062.